The following is an entry in ClinVar:

ClinVar aggregate classification (germline): Uncertain significance (1 of 4 stars; one submission).

Conditions:
Hypoparathyroidism, deafness, renal disease syndrome (HDRS). Also called: HYPOPARATHYROIDISM, SENSORINEURAL DEAFNESS, AND RENAL DYSPLASIA SYNDROME. Identifiers: Orphanet 2237, MedGen C1840333, MONDO:0007797, OMIM 146255.

Submission:

Neuberg Centre For Genomic Medicine, NCGM
Classification: Uncertain significance for Hypoparathyroidism, deafness, renal disease syndrome. Review status: criteria provided, single submitter. Criteria: ACMG Guidelines, 2015. Collection method: clinical testing. Allele origin: germline. Inheritance: Autosomal dominant inheritance. Affected: yes.
Comment: The splice site variant c.924+3_924+6del in GATA3 gene has not been reported previously as a pathogenic variant nor as a benign variant, to our knowledge. The c.924+3_924+6del variant is novel (not in any individuals) in gnomAD Exomes and 1000 Genomes. The non-coding variant in gene GATA3, close to the canonical splice-site and the position is strongly conserved. In silico prediction: Splice AI: affects splicing(acts as a splice donor). For these reasons, this variant has been classified as Uncertain Significance.

NM_001002295.2(GATA3):c.924+3_924+6del

Gene: GATA3 (GATA binding protein 3; plus strand). Cytogenetic location: 10p14.
Variant type: Deletion.
Coding change: c.924+3_924+6del on transcript NM_001002295.2 (MANE Select); bases 3 to 6 of the intron after coding-DNA position 924, 4 bases deleted (AAGT; older notation c.924+3_924+6delAAGT).
Molecular consequence: splice donor variant.
Genome position (GRCh38, 1-based): chr10:8,064,141-8,064,144, AAGT deleted; deleting any 4 consecutive bases within chr10:8,064,139-8,064,144 gives the same sequence; the c. name uses the placement nearest the transcript's 3' end. VCF-style (leftmost placement, unchanged base first): chr10-8064138-GGTAA-G. GRCh37 (hg19) VCF-style: chr10-8106101-GGTAA-G.
Other names: c.921+3_921+6del (NM_002051.3).
Identifiers: ClinVar variation 2585072 (VCV002585072.1), dbSNP rs2491486226, ClinGen allele CA2582342672.
Genomic context (GRCh38, chr10:8,064,138, plus strand): 5'-CGGGCTCTATCACAAAATGAACGGACAGAACCGGCCCCTCATTAAGCCCAAGCGAAGGCT[GGTAA>G]GTTCTCGGGAAGGGATGGATTCCATGCTGACCATTCTGGGTTTCTCATTTCCTCTCTTCC-3'